The following is an entry in ClinVar:

ClinVar aggregate classification (germline): Uncertain significance (1 of 4 stars; one submission).

Submission:

Labcorp Genetics (formerly Invitae), Labcorp
Classification: Uncertain significance. Last evaluated: 2020-12-11. Review status: criteria provided, single submitter. Criteria: Invitae Variant Classification Sherloc (09022015). Collection method: clinical testing. Allele origin: germline.
Comment: This variant has not been reported in the literature in individuals with HMX1-related conditions. The frequency data for this variant in the population databases is considered unreliable, as metrics indicate insufficient coverage at this position in the ExAC database. This variant, c.146_169del, results in the deletion of 8 amino acid(s) of the HMX1 protein (p.Asp49_Asp56del), but otherwise preserves the integrity of the reading frame. Experimental studies and prediction algorithms are not available or were not evaluated, and the functional significance of this variant is currently unknown. In summary, the available evidence is currently insufficient to determine the role of this variant in disease. Therefore, it has been classified as a Variant of Uncertain Significance.

NM_018942.3(HMX1):c.146_169del (p.Asp49_Asp56del)

Gene: HMX1 (H6 family homeobox 1; minus strand). Cytogenetic location: 4p16.1.
Variant type: Deletion.
Coding change: c.146_169del on transcript NM_018942.3 (MANE Select); coding-DNA positions 146 to 169, 24 bases deleted (ACGACGACCCCGAAGACGAGGACG).
Protein change: p.Asp49_Asp56del.
Molecular consequence: inframe deletion.
Genome position (GRCh38, 1-based): chr4:8,871,446-8,871,469, CGTCCTCGTCTTCGGGGTCGTCGT deleted on the plus strand (ACGACGACCCCGAAGACGAGGACG on the coding strand, the reverse complement: HMX1 is on the minus strand); deleting any 24 consecutive bases within chr4:8,871,446-8,871,476 gives the same sequence; the c. name uses the placement nearest the transcript's 3' end. VCF-style (leftmost placement, unchanged base first): chr4-8871445-GCGTCCTCGTCTTCGGGGTCGTCGT-G. GRCh37 (hg19) VCF-style: chr4-8873171-GCGTCCTCGTCTTCGGGGTCGTCGT-G.
Other names: c.146_169del, p.Asp49_Asp56del (NM_001306142.2).
Identifiers: ClinVar variation 1509668 (VCV001509668.8), dbSNP rs1035597975, ClinGen allele CA92350233.